The following is an entry in ClinVar:

ClinVar aggregate classification (germline): Uncertain significance (1 of 4 stars; one submission).

Conditions:
Severe intellectual disability-progressive spastic diplegia syndrome (NEDSDV). Also called: NEURODEVELOPMENTAL DISORDER WITH SPASTIC DIPLEGIA AND VISUAL DEFECTS; CTNNB1 Neurodevelopmental Disorder. Identifiers: Orphanet 404473, MedGen C3554449, MONDO:0014035, OMIM 615075.

Allele frequency attached by ClinVar (database versions not stated): gnomAD exomes 0.00001.
gnomAD v4.1: 9 of 1,614,058 alleles (0.00056%); highest among the groups gnomAD compares: South Asian, 0.0022%; no homozygotes.

Submission:

Baylor Genetics
Classification: Uncertain significance for Severe intellectual disability-progressive spastic diplegia syndrome. Last evaluated: 2020-05-05. Review status: criteria provided, single submitter. Criteria: ACMG Guidelines, 2015. Collection method: clinical testing. Allele origin: unknown. Affected: yes.
Comment: This variant was determined to be of uncertain significance according to ACMG Guidelines, 2015 [PMID:25741868].

NM_001904.4(CTNNB1):c.2099T>C (p.Ile700Thr)

Gene: CTNNB1 (catenin beta 1; plus strand). Cytogenetic location: 3p22.1.
Variant type: single nucleotide variant.
Coding change: c.2099T>C on transcript NM_001904.4 (MANE Select); coding-DNA position 2099, T replaced by C.
Protein change: p.Ile700Thr; replaces isoleucine 700 with threonine.
Molecular consequence: missense variant.
Genome position (GRCh38, 1-based): chr3:41,238,038, T>C. VCF-style: chr3-41238038-T-C. GRCh37 (hg19) VCF-style: chr3-41279529-T-C.
Other names: c.2099T>C, p.Ile700Thr (NM_001098209.2, NM_001098210.2); c.2078T>C, p.Ile693Thr (NM_001330729.2); short protein forms I693T, I700T.
Identifiers: ClinVar variation 1029547 (VCV001029547.1), dbSNP rs2078481368, ClinGen allele CA352236935.
Genomic context (GRCh38, chr3:41,238,038, plus strand): 5'-GCTTTCTATTCTTCCTTGCTTTGTGCATGTTTATCTAGACTGCTGATCTTGGACTTGATA[T>C]TGGTGCCCAGGGAGAACCCCTTGGATATCGCCAGGATGGTATGTGTCTCATATTTCTCGA-3'
Protein context (NP_001895.1, residues 690-710): WNETADLGLD[Ile700Thr]GAQGEPLGYR